The following continues an entry in ClinVar:

NM_000277.3(PAH):c.688G>A (p.Val230Ile)

Gene: PAH. ClinVar aggregate classification (germline): Likely pathogenic. Likely pathogenic (1).

Submissions 10 to 26 of 38:

First Genomix Gene Laboratory, Genetic Diagnostics Department
Classification: Pathogenic for Phenylketonuria. Last evaluated: 2025-03-14. Review status: criteria provided, single submitter. Criteria: ACMG Guidelines, 2015. Collection method: clinical testing. Allele origin: germline. Inheritance: Autosomal recessive inheritance. Affected: no. Observed: 1 variant allele. Not counted in ClinVar's aggregate classification.

Revvity Omics, Revvity
Classification: Pathogenic for Phenylketonuria. Last evaluated: 2024-12-06. Review status: criteria provided, single submitter. Criteria: ACMG Guidelines, 2015. Collection method: clinical testing. Allele origin: germline. Not counted in ClinVar's aggregate classification.

Blueprint Genetics
Classification: Pathogenic for PAH-related disorders. Last evaluated: 2024-11-21. Review status: criteria provided, single submitter. Criteria: ACMG Guidelines, 2015. Collection method: clinical testing. Allele origin: germline. Affected: yes. Observed: 5 variant alleles. Not counted in ClinVar's aggregate classification.

Quest Diagnostics Nichols Institute San Juan Capistrano
Classification: Pathogenic. Last evaluated: 2024-07-09. Review status: criteria provided, single submitter. Criteria: Quest Diagnostics criteria. Collection method: clinical testing. Allele origin: unknown. Not counted in ClinVar's aggregate classification.
Comment: The PAH c.688G>A (p.Val230Ile) variant has been reported in the published literature in many individuals affected with mild hyperphenylalaninemia (MHP) as well as in those affected with moderate phenylketonuria (mPKU) (PMIDs: 16198137 (2005), 18299955 (2008), 21871829 (2011), 23764561 (2013), 24048906 (2014), 31355225 (2019), 31998365 (2019), 33101986 (2020)). This variant is associated with MHP, which is consistent with functional studies that have reported the variant to have reduced enzyme activity (63%) (PMID: 11161839 (2001), 38731816 (2024), and BIOPKU). The frequency of this variant in the general population, 0.0027 (28/10368 chromosomes (Genome Aggregation Database)), is consistent with pathogenicity. Based on the available information, this variant is classified as pathogenic.

Genomic Medicine Center of Excellence, King Faisal Specialist Hospital and Research Centre
Classification: Pathogenic for Phenylketonuria. Last evaluated: 2024-03-17. Review status: criteria provided, single submitter. Criteria: ACMG Guidelines, 2015. Collection method: research. Allele origin: germline. Not counted in ClinVar's aggregate classification.

Laboratory of Medical Genetics, National & Kapodistrian University of Athens
Classification: Pathogenic for Phenylketonuria. Last evaluated: 2024-02-01. Review status: criteria provided, single submitter. Criteria: ACMG Guidelines, 2015. Collection method: curation. Allele origin: germline. Affected: no. Not counted in ClinVar's aggregate classification.

New York Genome Center
Classification: Pathogenic for Phenylketonuria. Last evaluated: 2024-01-18. Review status: criteria provided, single submitter. Criteria: NYGC Assertion Criteria 2020. Collection method: clinical testing. Allele origin: inherited. Observed: 1 variant allele, 1 compound heterozygote. Not counted in ClinVar's aggregate classification.
Comment: The inherited c.688G>A, p.(Val230Ile) variant in PAH has previously been reported in the homozygous state or compound heterozygous state in multiple individuals affected with hyperphenylalaninemia (HPA) or mild phenylketonuria (PKU) in individuals for whom BH4 deficiency has been ruled out [PMID: 10598814, 17096675, 17935162, 18299955, 29316886, 23500595, 23792259, 24048906, 32668217, 36787440, 34828281]. The variant c.688G>A has been deposited in ClinVar by multiple submitters as pathogenic or likely pathogenic [ClinVar ID: 102784]. The c.688G>A variant is observed in 105 alleles with 1 homozygote (~0.03% minor allele frequency) in the gnomAD (v4.0.0) database. The c.688G>A variant in PAH is located in exon 6 of this 13-exon gene and predicted to replace an evolutionarily conserved valine amino acid with isoleucine at position 230 in the catalytic domain (143-411aa) [PMID: 34828281] of the encoded protein. In vitro functional studies demonstrated 63% of wild-type enzyme activity in cells carrying c.688G>A variant [PMID: 17935162, 23500595]. In silico predictions are neutral with respect to the variant's effect [(CADD v1.6 =18.11, REVEL = 0.511)]. Other missense variant affecting the same protein residue p.(Val230Ala) has been reported in the literature [PMID: 29316886] and ClinVar [ClinVar ID: 557425] in individuals with Phenylketonuria for whom BH4 deficiency has been ruled out. Based on available evidence this inherited heterozygous c.688G>A, p.(Val230Ile) variant identified in PAH is classified as Pathogenic.

Mayo Clinic Laboratories, Mayo Clinic
Classification: Likely pathogenic. Last evaluated: 2023-10-13. Review status: criteria provided, single submitter. Criteria: ACMG Guidelines, 2015. Collection method: clinical testing. Allele origin: germline. Observed: 1 variant allele. Not counted in ClinVar's aggregate classification.
Comment: PP4_moderate, PM3_very_strong

Victorian Clinical Genetics Services, Murdoch Childrens Research Institute
Classification: Pathogenic for Phenylketonuria. Last evaluated: 2023-07-17. Review status: criteria provided, single submitter. Criteria: ACMG Guidelines, 2015. Collection method: clinical testing. Allele origin: germline. Inheritance: Autosomal recessive inheritance. Not counted in ClinVar's aggregate classification.
Comment: Based on the classification scheme VCGS_Germline_v1.3.4, this variant is classified as Pathogenic. Following criteria are met: 0102 - Loss of function is a known mechanism of disease in this gene and is associated with Phenylketonuria (MIM#261600). (I) 0106 - This gene is associated with autosomal recessive disease. (I) 0200 - Variant is predicted to result in a missense amino acid change from valine to isoleucine. (I) 0251 - This variant is heterozygous. (I) 0304 - Variant is present in gnomAD <0.01 for a recessive condition (v2: 141 heterozygotes, 0 homozygotes). (SP) 0600 - Variant is located in the annotated biopterin_H domain (DECIPHER). (I) 0801 - This variant has strong previous evidence of pathogenicity in unrelated individuals. It has been classified as likely pathogenic by an expert panel in 2018 (ClinVar). (SP) 1208 - Inheritance information for this variant is not currently available in this individual. (I) Legend: (SP) - Supporting pathogenic, (I) - Information, (SB) - Supporting benign

Institute of Immunology and Genetics Kaiserslautern
Classification: Pathogenic for Phenylketonuria. Last evaluated: 2022-07-26. Review status: criteria provided, single submitter. Criteria: ACMG Guidelines, 2015. Collection method: clinical testing. Allele origin: paternal. Affected: yes. Not counted in ClinVar's aggregate classification.
Comment: ACMG Criteria: PS3, PM3, PM5, PP2, PP5; Variant was found in compound heterozygous state with NM_000277.3:c.898G>T.

Laboratory for Molecular Medicine, Mass General Brigham Personalized Medicine
Classification: Pathogenic for Phenylketonuria. Last evaluated: 2022-06-30. Review status: criteria provided, single submitter. Criteria: ACMG Guidelines, 2015. Collection method: clinical testing. Allele origin: germline. Not counted in ClinVar's aggregate classification.
Comment: The p.Val230Ile variant in PAH has been reported in at least 10 individuals with phenylalanine hydroxylase deficiency including several individuals who were compound heterozygotes with a pathogenic variant or were homozygous (Guldberg 1993 PMID: 8268925, Zaffanello 2005 PMID: 15943553, Zurflüh 2008 PMID: 17935162, Couce 2013 PMID: 23500595, Yan 2019 PMID: 30747360, Su 2019 PMID: 31355225). It has also been identified in 0.0866% (3/3472) of Ashkenazi Jewish chromosomes by gnomAD. This variant has been reported in ClinVar as likely pathogenic by the ClinGen PAH Variant Curation Expert Panel using the . ACMG-AMP criteria specific for phenylalanine hydroxylase variants (Zastrow 2018 PMID: 30311390) and is curated in the FDA-recognized human genetic variant database (Variation ID 102784). Computational prediction tools and conservation analyses do not provide strong support for or against an impact to the protein. Another variant involving this codon (p.V230A) have been identified in individuals with phenylalanine hydroxylase deficiency and is classified as pathogenic by the ClinGen PAH Variant Curation Expert Panel. In summary, this variant meets criteria to be classified as pathogenic for autosomal recessive phenylalanine hydroxylase deficiency. ACMG/AMP Criteria applied: PM3_VeryStrong, PP4_Moderate, PM5_Supporting.

MGZ Medical Genetics Center
Classification: Likely pathogenic for Phenylketonuria. Last evaluated: 2022-03-17. Review status: criteria provided, single submitter. Criteria: ACMG Guidelines, 2015. Collection method: clinical testing. Allele origin: germline. Affected: yes. Observed: 2 variant alleles. Not counted in ClinVar's aggregate classification.
Comment: ACMG criteria applied: PM3_STR, PS4_MOD, PS3_SUP, PP3, PP4

Fulgent Genetics
Classification: Pathogenic for Phenylketonuria. Last evaluated: 2022-03-03. Review status: criteria provided, single submitter. Criteria: ACMG Guidelines, 2015. Collection method: clinical testing. Allele origin: unknown. Not counted in ClinVar's aggregate classification.

Johns Hopkins Genomics, Johns Hopkins University
Classification: Pathogenic for Phenylketonuria. Last evaluated: 2022-02-17. Review status: criteria provided, single submitter. Criteria: ACMG Guidelines, 2015. Collection method: clinical testing. Allele origin: germline. Not counted in ClinVar's aggregate classification.

Institute for Clinical Genetics, University Hospital TU Dresden, University Hospital TU Dresden
Classification: Uncertain significance. Last evaluated: 2021-11-03. Review status: criteria provided, single submitter. Criteria: ACMG Guidelines, 2015. Collection method: clinical testing. Allele origin: germline. Not counted in ClinVar's aggregate classification.

Genome-Nilou Lab
Classification: Likely pathogenic for Phenylketonuria. Last evaluated: 2021-06-10. Review status: criteria provided, single submitter. Criteria: ACMG Guidelines, 2015. Collection method: clinical testing. Allele origin: germline. Affected: no. Not counted in ClinVar's aggregate classification.

CENTOGENE GmbH and LLC - Guiding Precision Medicine
Classification: Likely pathogenic for Phenylketonuria. Last evaluated: 2021-03-29. Review status: criteria provided, single submitter. Criteria: ACMG Guidelines, 2015. Collection method: clinical testing. Allele origin: germline. Affected: yes. Not counted in ClinVar's aggregate classification.